The following is an entry in ClinVar:

NM_001360.3(DHCR7):c.212del (p.Pro71fs)

Gene: DHCR7 (7-dehydrocholesterol reductase; minus strand). Cytogenetic location: 11q13.4.
Variant type: Deletion.
Coding change: c.212del on transcript NM_001360.3 (MANE Select); coding-DNA position 212, one base deleted (C; older notation c.212delC).
Protein change: p.Pro71fs; shifts the reading frame from proline 71.
Molecular consequence: frameshift variant.
Genome position (GRCh38, 1-based): chr11:71,444,102, G deleted on the plus strand (C on the coding strand, the reverse complement: DHCR7 is on the minus strand); the first of 3 consecutive G bases (chr11:71,444,102-71,444,104); deleting any one gives the same sequence. VCF-style (leftmost placement, unchanged base first): chr11-71444101-AG-A. GRCh37 (hg19) VCF-style: chr11-71155147-AG-A.
Other names: c.212delC (NM_001360.2); c.212del, p.Pro71fs (NM_001425109.1, NM_001425110.1, NM_001425111.1 and 8 more transcripts); c.116del, p.Pro39fs (NM_001425113.1, NM_001425114.1, NM_001425116.1); c.38del, p.Pro13fs (NM_001425117.1); short protein forms P13fs, P39fs, P71fs.
Identifiers: ClinVar variation 4814818 (VCV004814818.1).

ClinVar aggregate classification (germline): Likely pathogenic (1 of 4 stars; one submission).

Conditions:
Smith-Lemli-Opitz syndrome (SLOS). Also called: LETHAL ACRODYSGENITAL SYNDROME; POLYDACTYLY, SEX REVERSAL, RENAL HYPOPLASIA, AND UNILOBAR LUNG; RSH SYNDROME; RUTLEDGE LETHAL MULTIPLE CONGENITAL ANOMALY SYNDROME; 7-Dehydrocholesterol reductase deficiency. Identifiers: Orphanet 818, MedGen C0175694, MONDO:0010035, OMIM 270400.

Submission:

Natera, Inc.
Classification: Likely pathogenic for Smith-Lemli-Opitz syndrome. Last evaluated: 2024-10-14. Review status: criteria provided, single submitter. Criteria: Natera Variant Classification Schema (03/2026). Collection method: clinical testing. Allele origin: germline.
Comment: The c.212delC variant in DHCR7 is a frameshift variant predicted to shift the reading frame beginning at codon 71 and leads to a stop codon 22 codons downstream. This variant is expected to result in nonsense mediated decay, truncation, or a dysfunctional protein product. This variant is rare in the general population with a frequency below the threshold expected for the associated phenotype(s). Given the available evidence, this variant is classified as Likely Pathogenic.